The following is an entry in ClinVar:

NM_033380.3(COL4A5):c.512G>A (p.Gly171Asp)

Gene: COL4A5 (collagen type IV alpha 5 chain; plus strand). Cytogenetic location: Xq22.3.
Variant type: single nucleotide variant.
Coding change: c.512G>A on transcript NM_033380.3 (MANE Select); coding-DNA position 512, G replaced by A.
Protein change: p.Gly171Asp; replaces glycine 171 with aspartic acid.
Molecular consequence: missense variant.
Genome position (GRCh38, 1-based): chrX:108,573,620, G>A. VCF-style: chrX-108573620-G-A. GRCh37 (hg19) VCF-style: chrX-107816850-G-A.
Other names: c.512G>A, p.Gly171Asp (NM_000495.5); short protein forms G171D.
Identifiers: ClinVar variation 4818591 (VCV004818591.1).

ClinVar aggregate classification (germline): Likely pathogenic (1 of 4 stars; one submission).

Conditions:
X-linked Alport syndrome (ATS1). Also called: NEPHROPATHY AND DEAFNESS, X-LINKED; COL4A5-Related Nephropathy. Identifiers: Orphanet 63, Orphanet 88917, MedGen C4746986, MONDO:0010520, OMIM 301050.

Submission:

Natera, Inc.
Classification: Likely pathogenic for X-linked Alport syndrome. Last evaluated: 2025-11-03. Review status: criteria provided, single submitter. Criteria: Natera Variant Classification Schema (03/2026). Collection method: clinical testing. Allele origin: germline.
Comment: The c.512G>A variant in COL4A5 is a missense variant predicted to cause substitution of glycine to aspartic acid at amino acid 171. This variant is rare in the general population with a frequency below the threshold expected for the associated phenotype(s). This variant is located in a functionally critical region of the protein. A different variant at the same position has been determined to be Pathogenic or Likely Pathogenic. Computational prediction algorithms indicate this variant is likely to affect gene or protein function. Given the available evidence, this variant is classified as Likely Pathogenic.